The following is an entry in ClinVar:

NM_006269.2(RP1):c.4427C>T (p.Thr1476Ile)

Gene: RP1 (RP1 axonemal microtubule associated; plus strand). Cytogenetic location: 8q12.1.
Variant type: single nucleotide variant.
Coding change: c.4427C>T on transcript NM_006269.2 (MANE Select); coding-DNA position 4427, C replaced by T.
Protein change: p.Thr1476Ile; replaces threonine 1476 with isoleucine.
Molecular consequence: missense variant. On other transcripts: intron variant (1).
Genome position (GRCh38, 1-based): chr8:54,628,309, C>T. VCF-style: chr8-54628309-C-T. GRCh37 (hg19) VCF-style: chr8-55540869-C-T.
Other names: c.787+6021C>T (NM_001375654.1); short protein forms T1476I.
Identifiers: ClinVar variation 2787370 (VCV002787370.3), dbSNP rs1806138012, ClinGen allele CA370982184.

ClinVar aggregate classification (germline): Uncertain significance (1 of 4 stars; one submission).

Submission:

Labcorp Genetics (formerly Invitae), Labcorp
Classification: Uncertain significance. Last evaluated: 2023-08-10. Review status: criteria provided, single submitter. Criteria: Invitae Variant Classification Sherloc (09022015). Collection method: clinical testing. Allele origin: germline.
Comment: This variant has not been reported in the literature in individuals affected with RP1-related conditions. In summary, the available evidence is currently insufficient to determine the role of this variant in disease. Therefore, it has been classified as a Variant of Uncertain Significance. Algorithms developed to predict the effect of missense changes on protein structure and function output the following: SIFT: "Not Available"; PolyPhen-2: "Benign"; Align-GVGD: "Not Available". The isoleucine amino acid residue is found in multiple mammalian species, which suggests that this missense change does not adversely affect protein function. This variant is not present in population databases (gnomAD no frequency). This sequence change replaces threonine, which is neutral and polar, with isoleucine, which is neutral and non-polar, at codon 1476 of the RP1 protein (p.Thr1476Ile).